The following is an entry in ClinVar:

NM_001369268.1(ACAN):c.1526C>T (p.Ser509Leu)

Gene: ACAN (aggrecan; plus strand). Cytogenetic location: 15q26.1.
Variant type: single nucleotide variant.
Coding change: c.1526C>T on transcript NM_001369268.1 (MANE Select); coding-DNA position 1526, C replaced by T.
Protein change: p.Ser509Leu; replaces serine 509 with leucine.
Molecular consequence: missense variant.
Genome position (GRCh38, 1-based): chr15:88,847,339, C>T. VCF-style: chr15-88847339-C-T. GRCh37 (hg19) VCF-style: chr15-89390570-C-T.
Other names: c.1526C>T (NM_013227.3); c.1526C>T, p.Ser509Leu (NM_001135.4, NM_001411096.1, NM_001411097.1 and 1 more transcripts); short protein forms S509L.
Identifiers: ClinVar variation 2175786 (VCV002175786.6), dbSNP rs773794233, ClinGen allele CA7719575.

ClinVar aggregate classification (germline): Uncertain significance. Review status: criteria provided, multiple submitters, no conflicts (2 of 4 stars). 2 submissions from 2 submitters: Uncertain significance (2). Last evaluated 2025-09-11.

Conditions:
Inborn genetic diseases. Identifiers: MedGen C0950123, MeSH D030342.

Allele frequency attached by ClinVar (database versions not stated): ExAC 0.00009.
gnomAD v4.1: 26 of 1,584,086 alleles (0.0016%); highest among the groups gnomAD compares: South Asian, 0.007%; no homozygotes.

Submissions (2):

Ambry Genetics
Classification: Uncertain significance for Inborn genetic diseases. Last evaluated: 2025-09-11. Review status: criteria provided, single submitter. Criteria: Ambry Variant Classification Scheme 2023. Collection method: clinical testing. Allele origin: germline.

Labcorp Genetics (formerly Invitae), Labcorp
Classification: Uncertain significance. Last evaluated: 2024-12-12. Review status: criteria provided, single submitter. Criteria: Invitae Variant Classification Sherloc (09022015). Collection method: clinical testing. Allele origin: germline.
Comment: This sequence change replaces serine, which is neutral and polar, with leucine, which is neutral and non-polar, at codon 509 of the ACAN protein (p.Ser509Leu). This variant is present in population databases (rs773794233, gnomAD 0.004%). This variant has not been reported in the literature in individuals affected with ACAN-related conditions. ClinVar contains an entry for this variant (Variation ID: 2175786). Invitae Evidence Modeling of protein sequence and biophysical properties (such as structural, functional, and spatial information, amino acid conservation, physicochemical variation, residue mobility, and thermodynamic stability) indicates that this missense variant is not expected to disrupt ACAN protein function with a negative predictive value of 80%. In summary, the available evidence is currently insufficient to determine the role of this variant in disease. Therefore, it has been classified as a Variant of Uncertain Significance.